The following is an entry in ClinVar:

NM_015072.5(TTLL5):c.2690A>G (p.Asn897Ser)

Gene: TTLL5 (tubulin tyrosine ligase like 5; plus strand). Cytogenetic location: 14q24.3.
Variant type: single nucleotide variant.
Coding change: c.2690A>G on transcript NM_015072.5 (MANE Select); coding-DNA position 2690, A replaced by G.
Protein change: p.Asn897Ser; replaces asparagine 897 with serine.
Molecular consequence: missense variant.
Genome position (GRCh38, 1-based): chr14:75,783,234, A>G. VCF-style: chr14-75783234-A-G. GRCh37 (hg19) VCF-style: chr14-76249577-A-G.
Other names: c.2690A>G (NM_015072.4); short protein forms N897S.
Identifiers: ClinVar variation 1483657 (VCV001483657.9), dbSNP rs757665738, ClinGen allele CA390472169.

ClinVar aggregate classification (germline): Uncertain significance. Review status: criteria provided, multiple submitters, no conflicts (2 of 4 stars). 2 submissions from 2 submitters: Uncertain significance (2). Last evaluated 2023-10-10.

Conditions:
Inborn genetic diseases. Identifiers: MedGen C0950123, MeSH D030342.

Submissions (2):

Ambry Genetics
Classification: Uncertain significance for Inborn genetic diseases. Last evaluated: 2023-10-10. Review status: criteria provided, single submitter. Criteria: Ambry Variant Classification Scheme 2023. Collection method: clinical testing. Allele origin: germline.

Labcorp Genetics (formerly Invitae), Labcorp
Classification: Uncertain significance. Last evaluated: 2021-06-01. Review status: criteria provided, single submitter. Criteria: Invitae Variant Classification Sherloc (09022015). Collection method: clinical testing. Allele origin: germline.
Comment: This variant has not been reported in the literature in individuals with TTLL5-related conditions. In summary, the available evidence is currently insufficient to determine the role of this variant in disease. Therefore, it has been classified as a Variant of Uncertain Significance. Algorithms developed to predict the effect of missense changes on protein structure and function output the following: SIFT: "Tolerated"; PolyPhen-2: "Benign"; Align-GVGD: "Class C0". The serine amino acid residue is found in multiple mammalian species, suggesting that this missense change does not adversely affect protein function. These predictions have not been confirmed by published functional studies and their clinical significance is uncertain. This variant is not present in population databases (ExAC no frequency). This sequence change replaces asparagine with serine at codon 897 of the TTLL5 protein (p.Asn897Ser). The asparagine residue is weakly conserved and there is a small physicochemical difference between asparagine and serine.